The following is an entry in ClinVar:

NM_022455.5(NSD1):c.6898G>A (p.Ala2300Thr)

Gene: NSD1 (nuclear receptor binding SET domain protein 1; plus strand). Cytogenetic location: 5q35.3.
Variant type: single nucleotide variant.
Coding change: c.6898G>A on transcript NM_022455.5 (MANE Select); coding-DNA position 6898, G replaced by A.
Protein change: p.Ala2300Thr; replaces alanine 2300 with threonine.
Molecular consequence: missense variant.
Genome position (GRCh38, 1-based): chr5:177,294,266, G>A. VCF-style: chr5-177294266-G-A. GRCh37 (hg19) VCF-style: chr5-176721267-G-A.
Other names: c.6478G>A, p.Ala2160Thr (NM_001409304.1); c.6145G>A, p.Ala2049Thr (NM_001409305.1); c.6136G>A, p.Ala2046Thr (NM_001409306.1, NM_001409307.1); c.6025G>A, p.Ala2009Thr (NM_001409308.1, NM_172349.5, NM_001365684.2); c.5776G>A, p.Ala1926Thr (NM_001409309.1); c.6898G>A, p.Ala2300Thr (NM_001409301.1, NM_001409302.1, NM_001409303.1); short protein forms A2031T, A1926T, A2009T, A2046T, A2160T, A2300T, A2049T.
Identifiers: ClinVar variation 2061414 (VCV002061414.6), dbSNP rs745572501, ClinGen allele CA3578062.

ClinVar aggregate classification (germline): Conflicting classifications of pathogenicity. Review status: criteria provided, conflicting classifications (1 of 4 stars). 2 submissions from 2 submitters: Uncertain significance (1); Likely benign (1). Last evaluated 2025-11-10.

Allele frequency attached by ClinVar (database versions not stated): gnomAD exomes 0.00001; ExAC 0.00002; TOPMed 0.00001; gnomAD 0.00001.
gnomAD v4.1: 19 of 1,613,376 alleles (0.0012%); highest among the groups gnomAD compares: Admixed American, 0.0017%; no homozygotes.

Submissions (2):

Labcorp Genetics (formerly Invitae), Labcorp
Classification: Likely benign. Last evaluated: 2025-11-10. Review status: criteria provided, single submitter. Criteria: Invitae Variant Classification Sherloc (09022015). Collection method: clinical testing. Allele origin: germline.

Dasa
Classification: Uncertain significance. Last evaluated: 2025-06-14. Review status: criteria provided, single submitter. Criteria: DASA Assertion Criteria. Collection method: clinical testing. Allele origin: germline.
Comment: NM_022455.5(NSD1):c.6898G>A (p.Ala2300Thr) is a missense variant that results in the substitution of alanine with threonine. This variant is rare in population databases. Computational prediction algorithms are consistent with a benign effect. The currently available literature and clinical evidence are not sufficient to establish a definitive association between this variant and the reported condition. Therefore, this variant is classified as a variant of uncertain significance.